The following is an entry in ClinVar:

NM_033109.5(PNPT1):c.2009A>G (p.Asp670Gly)

Gene: PNPT1 (polyribonucleotide nucleotidyltransferase 1; minus strand). Cytogenetic location: 2p16.1.
Variant type: single nucleotide variant.
Coding change: c.2009A>G on transcript NM_033109.5 (MANE Select); coding-DNA position 2009, A replaced by G.
Protein change: p.Asp670Gly; replaces aspartic acid 670 with glycine.
Molecular consequence: missense variant.
Genome position (GRCh38, 1-based): chr2:55,643,323, T>C on the plus strand (A>G on the coding strand, the complement: PNPT1 is on the minus strand). VCF-style: chr2-55643323-T-C. GRCh37 (hg19) VCF-style: chr2-55870458-T-C.
Other names: short protein forms D670G.
Identifiers: ClinVar variation 2117293 (VCV002117293.4), dbSNP rs1268172388, ClinGen allele CA346923870.

ClinVar aggregate classification (germline): Uncertain significance (1 of 4 stars; one submission).

Allele frequency attached by ClinVar (database versions not stated): TOPMed below 0.00001; gnomAD 0.00001.
gnomAD v4.1: 2 of 1,613,806 alleles (0.00012%); highest among the groups gnomAD compares: Non-Finnish European, 0.00017%; no homozygotes.

Submission:

Labcorp Genetics (formerly Invitae), Labcorp
Classification: Uncertain significance. Last evaluated: 2022-03-26. Review status: criteria provided, single submitter. Criteria: Invitae Variant Classification Sherloc (09022015). Collection method: clinical testing. Allele origin: germline.
Comment: In summary, the available evidence is currently insufficient to determine the role of this variant in disease. Therefore, it has been classified as a Variant of Uncertain Significance. Algorithms developed to predict the effect of missense changes on protein structure and function (SIFT, PolyPhen-2, Align-GVGD) all suggest that this variant is likely to be tolerated. This variant has not been reported in the literature in individuals affected with PNPT1-related conditions. This variant is not present in population databases (gnomAD no frequency). This sequence change replaces aspartic acid, which is acidic and polar, with glycine, which is neutral and non-polar, at codon 670 of the PNPT1 protein (p.Asp670Gly).